The following is an entry in ClinVar:

ClinVar aggregate classification (germline): Uncertain significance (1 of 4 stars; one submission).

Conditions:
Charcot-Marie-Tooth disease type 2. Also called: Charcot-Marie-Tooth type 2. Identifiers: Orphanet 64746, MedGen C0270914, MONDO:0018993.

Submission:

Labcorp Genetics (formerly Invitae), Labcorp
Classification: Uncertain significance for Charcot-Marie-Tooth disease type 2. Last evaluated: 2019-12-23. Review status: criteria provided, single submitter. Criteria: Invitae Variant Classification Sherloc (09022015). Collection method: clinical testing. Allele origin: germline.
Comment: This sequence change replaces serine with cysteine at codon 568 of the LMNA protein (p.Ser568Cys). The serine residue is highly conserved and there is a moderate physicochemical difference between serine and cysteine. This variant is not present in population databases (ExAC no frequency). In summary, the available evidence is currently insufficient to determine the role of this variant in disease. Therefore, it has been classified as a Variant of Uncertain Significance. Algorithms developed to predict the effect of missense changes on protein structure and function (SIFT, PolyPhen-2, Align-GVGD) all suggest that this variant is likely to be tolerated, but these predictions have not been confirmed by published functional studies and their clinical significance is uncertain. This variant has not been reported in the literature in individuals with LMNA-related conditions.

NM_170707.4(LMNA):c.1703C>G (p.Ser568Cys)

Gene: LMNA (lamin A/C; plus strand). Cytogenetic location: 1q22.
Variant type: single nucleotide variant.
Coding change: c.1703C>G on transcript NM_170707.4 (MANE Select); coding-DNA position 1703, C replaced by G.
Protein change: p.Ser568Cys; replaces serine 568 with cysteine.
Molecular consequence: missense variant.
Genome position (GRCh38, 1-based): chr1:156,138,492, C>G. VCF-style: chr1-156138492-C-G. GRCh37 (hg19) VCF-style: chr1-156108283-C-G.
Other names: c.1367C>G, p.Ser456Cys (NM_001257374.3); c.1703C>G, p.Ser568Cys (NM_001282626.2); c.1613C>G, p.Ser538Cys (NM_170708.4); short protein forms S538C, S456C, S568C.
Identifiers: ClinVar variation 854390 (VCV000854390.9), dbSNP rs1651856057, ClinGen allele CA342826240.